The following is an entry in ClinVar:

ClinVar aggregate classification (germline): Uncertain significance (1 of 4 stars; one submission).

Conditions:
TFRC-related combined immunodeficiency. Also called: Immunodeficiency 46. Identifiers: Orphanet 476113, MedGen C5568133, MONDO:0014760, OMIM 616740.

Allele frequency attached by ClinVar (database versions not stated): gnomAD exomes below 0.00001 and 0.00001; ExAC 0.00001; gnomAD 0.00001.
gnomAD v4.1: 10 of 1,613,818 alleles (0.00062%); highest among the groups gnomAD compares: Non-Finnish European, 0.00076%; no homozygotes.

Submission:

Labcorp Genetics (formerly Invitae), Labcorp
Classification: Uncertain significance. Last evaluated: 2025-08-24. Review status: criteria provided, single submitter. Criteria: Invitae Variant Classification Sherloc (09022015). Collection method: clinical testing. Allele origin: germline.
Comment: This sequence change replaces serine, which is neutral and polar, with cysteine, which is neutral and slightly polar, at codon 554 of the TFRC protein (p.Ser554Cys). This variant is present in population databases (rs750821618, gnomAD 0.002%). This variant has not been reported in the literature in individuals affected with TFRC-related conditions. ClinVar contains an entry for this variant (Variation ID: 1417927). Invitae Evidence Modeling of protein sequence and biophysical properties (such as structural, functional, and spatial information, amino acid conservation, physicochemical variation, residue mobility, and thermodynamic stability) indicates that this missense variant is expected to disrupt TFRC protein function with a positive predictive value of 80%. In summary, the available evidence is currently insufficient to determine the role of this variant in disease. Therefore, it has been classified as a Variant of Uncertain Significance.

NM_001128148.3(TFRC):c.1661C>G (p.Ser554Cys)

Gene: TFRC (transferrin receptor; minus strand). Cytogenetic location: 3q29.
Variant type: single nucleotide variant.
Coding change: c.1661C>G on transcript NM_001128148.3 (MANE Select); coding-DNA position 1661, C replaced by G.
Protein change: p.Ser554Cys; replaces serine 554 with cysteine.
Molecular consequence: missense variant.
Genome position (GRCh38, 1-based): chr3:196,058,300, G>C on the plus strand (C>G on the coding strand, the complement: TFRC is on the minus strand). VCF-style: chr3-196058300-G-C. GRCh37 (hg19) VCF-style: chr3-195785171-G-C.
Other names: c.1418C>G, p.Ser473Cys (NM_001313965.2); c.815C>G, p.Ser272Cys (NM_001313966.2); c.1661C>G, p.Ser554Cys (NM_003234.4); c.1661C>G (NM_003234.3); short protein forms S473C, S272C, S554C.
Identifiers: ClinVar variation 1417927 (VCV001417927.9), dbSNP rs750821618, ClinGen allele CA2777830.